The following is an entry in ClinVar:

NM_006940.6(SOX5):c.538A>G (p.Met180Val)

Gene: SOX5 (SRY-box transcription factor 5; minus strand). Cytogenetic location: 12p12.1.
Variant type: single nucleotide variant.
Coding change: c.538A>G on transcript NM_006940.6 (MANE Select); coding-DNA position 538, A replaced by G.
Protein change: p.Met180Val; replaces methionine 180 with valine.
Molecular consequence: missense variant.
Genome position (GRCh38, 1-based): chr12:23,755,668, T>C on the plus strand (A>G on the coding strand, the complement: SOX5 is on the minus strand). VCF-style: chr12-23755668-T-C. GRCh37 (hg19) VCF-style: chr12-23908602-T-C.
Other names: c.499A>G, p.Met167Val (NM_001261414.3, NM_152989.5); c.508A>G, p.Met170Val (NM_001261415.3); c.433A>G, p.Met145Val (NM_001330785.2); short protein forms M145V, M167V, M170V, M180V.
Identifiers: ClinVar variation 1312920 (VCV001312920.2), dbSNP rs1413506836, ClinGen allele CA384321042.

ClinVar aggregate classification (germline): Uncertain significance (1 of 4 stars; one submission).

Allele frequency attached by ClinVar (database versions not stated): TOPMed below 0.00001; gnomAD 0.00001; gnomAD exomes 0.00001.

Submission:

GeneDx
Classification: Uncertain significance. Last evaluated: 2020-07-09. Review status: criteria provided, single submitter. Criteria: GeneDx Variant Classification Process June 2021. Collection method: clinical testing. Allele origin: germline. Affected: yes.
Comment: Not observed in large population cohorts (Lek et al., 2016); In silico analysis supports that this missense variant does not alter protein structure/function; Has not been previously published as pathogenic or benign to our knowledge